The following is an entry in ClinVar:

ClinVar aggregate classification (germline): Uncertain significance (1 of 4 stars; one submission).

Conditions:
Hereditary cancer-predisposing syndrome. Also called: Neoplastic Syndromes, Hereditary; Tumor predisposition; Hereditary Cancer Syndrome; Hereditary neoplastic syndrome. Identifiers: Orphanet 140162, MedGen C0027672, MeSH D009386, MONDO:0015356.

Submission:

Ambry Genetics
Classification: Uncertain significance for Hereditary cancer-predisposing syndrome. Last evaluated: 2025-08-20. Review status: criteria provided, single submitter. Criteria: Ambry Variant Classification Scheme 2023. Collection method: clinical testing. Allele origin: germline.
Comment: The p.T96P variant (also known as c.286A>C), located in coding exon 3 of the SDHA gene, results from an A to C substitution at nucleotide position 286. The threonine at codon 96 is replaced by proline, an amino acid with highly similar properties. This amino acid position is conserved. In addition, this alteration is predicted to be deleterious by in silico analysis. Based on the available evidence, the clinical significance of this variant remains unclear.

NM_004168.4(SDHA):c.286A>C (p.Thr96Pro)

Gene: SDHA (succinate dehydrogenase complex flavoprotein subunit A; plus strand). Cytogenetic location: 5p15.33.
Variant type: single nucleotide variant.
Coding change: c.286A>C on transcript NM_004168.4 (MANE Select); coding-DNA position 286, A replaced by C.
Protein change: p.Thr96Pro; replaces threonine 96 with proline.
Molecular consequence: missense variant.
Genome position (GRCh38, 1-based): chr5:224,495, A>C. VCF-style: chr5-224495-A-C. GRCh37 (hg19) VCF-style: chr5-224610-A-C.
Other names: c.286A>C, p.Thr96Pro (NM_001294332.2, NM_001330758.2); short protein forms T96P.
Identifiers: ClinVar variation 4161164 (VCV004161164.1).
Genomic context (GRCh38, chr5:224,495, plus strand): 5'-GCTGCATTTGGCCTTTCTGAGGCAGGGTTTAATACAGCATGTGTTACCAAGCTGTTTCCT[A>C]CCAGGTCACACACTGTTGCAGCACAGGTAAGAGAAAGGTGCCCCACTGTGCTCCCACTCC-3'
Protein context (NP_004159.2, residues 86-106): NTACVTKLFP[Thr96Pro]RSHTVAAQGG